The following is an entry in ClinVar:

NM_001122769.3(LCA5):c.149A>G (p.Asn50Ser)

Gene: LCA5 (lebercilin LCA5; minus strand). Cytogenetic location: 6q14.1.
Variant type: single nucleotide variant.
Coding change: c.149A>G on transcript NM_001122769.3 (MANE Select); coding-DNA position 149, A replaced by G.
Protein change: p.Asn50Ser; replaces asparagine 50 with serine.
Molecular consequence: missense variant.
Genome position (GRCh38, 1-based): chr6:79,518,746, T>C on the plus strand (A>G on the coding strand, the complement: LCA5 is on the minus strand). VCF-style: chr6-79518746-T-C. GRCh37 (hg19) VCF-style: chr6-80228463-T-C.
Other names: c.149A>G, p.Asn50Ser (NM_181714.4); short protein forms N50S.
Identifiers: ClinVar variation 1425654 (VCV001425654.3), dbSNP rs774805860, ClinGen allele CA3901200.

ClinVar aggregate classification (germline): Uncertain significance (1 of 4 stars; one submission).

Allele frequency attached by ClinVar (database versions not stated): gnomAD 0.00002; ExAC 0.00002; gnomAD exomes 0.00001.
gnomAD v4.1: 4 of 1,613,990 alleles (0.00025%); highest among the groups gnomAD compares: East Asian, 0.0045%; no homozygotes.

Submission:

Labcorp Genetics (formerly Invitae), Labcorp
Classification: Uncertain significance. Last evaluated: 2021-12-15. Review status: criteria provided, single submitter. Criteria: Invitae Variant Classification Sherloc (09022015). Collection method: clinical testing. Allele origin: germline.
Comment: This sequence change replaces asparagine, which is neutral and polar, with serine, which is neutral and polar, at codon 50 of the LCA5 protein (p.Asn50Ser). This variant is present in population databases (rs774805860, gnomAD 0.01%). This variant has not been reported in the literature in individuals affected with LCA5-related conditions. Algorithms developed to predict the effect of missense changes on protein structure and function output the following: SIFT: "Tolerated"; PolyPhen-2: "Benign"; Align-GVGD: "Class C0". The serine amino acid residue is found in multiple mammalian species, which suggests that this missense change does not adversely affect protein function. In summary, the available evidence is currently insufficient to determine the role of this variant in disease. Therefore, it has been classified as a Variant of Uncertain Significance.